The following is an entry in ClinVar:

NM_001001548.3(CD36):c.818+1_818+9del

Gene: CD36 (CD36 molecule (CD36 blood group); plus strand). Cytogenetic location: 7q21.11.
Variant type: Deletion.
Coding change: c.818+1_818+9del on transcript NM_001001548.3 (MANE Select); the canonical splice donor site of the intron after coding-DNA position 818 through 9 bases into the intron after coding-DNA position 818, 9 bases deleted (GTAAGACAG; older notation c.818+1_818+9delGTAAGACAG).
Molecular consequence: splice donor variant. On other transcripts: intron variant (1).
Genome position (GRCh38, 1-based): chr7:80,670,023-80,670,031, GTAAGACAG deleted; deleting any 9 consecutive bases within chr7:80,670,020-80,670,031 gives the same sequence; the c. name uses the placement nearest the transcript's 3' end. VCF-style (leftmost placement, unchanged base first): chr7-80670019-GCAGGTAAGA-G. GRCh37 (hg19) VCF-style: chr7-80299335-GCAGGTAAGA-G.
Other names: c.818+1_818+9del (NM_001371075.1, NM_001001547.3, NM_001371074.1 and 5 more transcripts); c.353+1_353+9del (NM_001371081.1, NM_001371080.1); c.590+1_590+9del (NM_001289911.2); c.716+1_716+9del (NM_001371079.1); c.638+1_638+9del (NM_001289909.1); c.702-954_702-946del (NM_001289908.1).
Identifiers: ClinVar variation 4879489 (VCV004879489.1).
Genomic context (GRCh38, chr7:80,670,019, plus strand): 5'-CCTCATTTCCACCTTTTGTTGAGAAAAGCCAGGTATTGCAGTTCTTTTCTTCTGATATTT[GCAGGTAAGA>G]CAGATACTGAAGTATAAGTATGTCTGAGTCAGACCCCAGGTGACAAAATGCAGACCAAGA-3'

ClinVar aggregate classification (germline): Likely pathogenic (1 of 4 stars; one submission).

Conditions:
Platelet-type bleeding disorder 10. Also called: CD36 DEFICIENCY. Identifiers: MedGen C1842090, MONDO:0012031, OMIM 608404.

Submission:

Clinical Genomics Laboratory, Washington University in St. Louis
Classification: Likely pathogenic for Platelet-type bleeding disorder 10. Last evaluated: 2026-02-09. Review status: criteria provided, single submitter. Criteria: ACMG Guidelines, 2015. Collection method: clinical testing. Allele origin: germline. Affected: yes.
Comment: The CD36 c.818+1_818+9del variant, to our knowledge, has not been reported in the medical literature. This variant is absent from the general population (gnomAD v4.1.0), indicating it is not a common variant. This variant causes a nine base deletion at the exon/intron boundary and alters the canonical splice donor site, which is predicted to cause altered splicing, the consequence of which is unknown. Based on available information and the ACMG/AMP guidelines for variant interpretation (Richards S et al., PMID: 25741868), this variant is classified as likely pathogenic.